The following is an entry in ClinVar:

NM_001243279.3(ACSF3):c.306C>T (p.Cys102=)

Gene: ACSF3 (acyl-CoA synthetase family member 3; plus strand). Cytogenetic location: 16q24.3.
Variant type: single nucleotide variant.
Coding change: c.306C>T on transcript NM_001243279.3 (MANE Select); coding-DNA position 306, C replaced by T.
Protein change: p.Cys102=; no amino-acid change (cysteine 102 retained).
Molecular consequence: synonymous variant. On other transcripts: non-coding transcript variant (3), intron variant (1).
Genome position (GRCh38, 1-based): chr16:89,100,987, C>T. VCF-style: chr16-89100987-C-T. GRCh37 (hg19) VCF-style: chr16-89167395-C-T.
Other names: p.C102C:TGC>TGT; p.Cys102=; c.306C>T, p.Cys102= (NM_001127214.4, NM_174917.5); c.-129-1617C>T (NM_001284316.2).
Identifiers: ClinVar variation 136272 (VCV000136272.26), dbSNP rs6500526, ClinGen allele CA289274.

ClinVar aggregate classification (germline): Benign. Review status: criteria provided, multiple submitters, no conflicts (2 of 4 stars). 10 submissions from 10 submitters: Benign (7). 3 of the submissions do not count toward it. Last evaluated 2026-06-28.

Conditions:
Combined malonic and methylmalonic acidemia. Identifiers: Orphanet 289504, MedGen C3280314, MONDO:0013661, OMIM 614265.

Allele frequency attached by ClinVar (database versions not stated): 1000 Genomes Project 0.61901; 1000 Genomes Project 30x 0.62773; ExAC 0.70719; gnomAD 0.71175 and 0.71888; TOPMed 0.71286; gnomAD exomes 0.71872 and 0.75912; ESP Exome Variant Server 0.72415.
gnomAD v4.1: 1,214,660 of 1,611,744 alleles (75%); highest among the groups gnomAD compares: Admixed American, 81%; 463,541 homozygotes.

Submissions (10):

Women's Health and Genetics/Laboratory Corporation of America, LabCorp
Classification: Benign. Last evaluated: 2026-06-28. Review status: criteria provided, single submitter. Criteria: LabCorp Variant Classification Summary - May 2015. Collection method: clinical testing. Allele origin: germline.

Labcorp Genetics (formerly Invitae), Labcorp
Classification: Benign for Combined malonic and methylmalonic acidemia. Last evaluated: 2026-02-04. Review status: criteria provided, single submitter. Criteria: Invitae Variant Classification Sherloc (09022015). Collection method: clinical testing. Allele origin: germline.

Blueprint Genetics
Classification: Benign. Last evaluated: 2024-11-27. Review status: criteria provided, single submitter. Criteria: ACMG Guidelines, 2015. Collection method: clinical testing. Allele origin: germline.

Mayo Clinic Laboratories, Mayo Clinic
Classification: Benign. Last evaluated: 2022-03-31. Review status: criteria provided, single submitter. Criteria: ACMG Guidelines, 2015. Collection method: clinical testing. Allele origin: germline. Observed: 94 variant alleles.

Genome-Nilou Lab
Classification: Benign for Combined malonic and methylmalonic acidemia. Last evaluated: 2021-07-01. Review status: criteria provided, single submitter. Criteria: ACMG Guidelines, 2015. Collection method: clinical testing. Allele origin: germline. Affected: no.

GeneDx
Classification: Benign. Last evaluated: 2013-05-29. Review status: criteria provided, single submitter. Criteria: GeneDx Variant Classification (06012015). Collection method: clinical testing. Allele origin: germline. Affected: yes.
Comment: This variant is considered likely benign or benign based on one or more of the following criteria: it is a conservative change, it occurs at a poorly conserved position in the protein, it is predicted to be benign by multiple in silico algorithms, and/or has population frequency not consistent with disease.

Breakthrough Genomics
Classification: Benign. Review status: criteria provided, single submitter. Criteria: ACMG Guidelines, 2015. Collection method: not provided. Allele origin: germline. Inheritance: Unknown mechanism. Affected: yes.

Natera, Inc.
Classification: Benign for Combined malonic and methylmalonic aciduria. Last evaluated: 2021-01-27. Review status: no assertion criteria provided. Collection method: clinical testing. Allele origin: germline. Not counted in ClinVar's aggregate classification.

Diagnostic Laboratory, Department of Genetics, University Medical Center Groningen
Classification: Benign. Review status: no assertion criteria provided. Collection method: clinical testing. Allele origin: germline. Affected: yes. Study: VKGL Data-share Consensus. Not counted in ClinVar's aggregate classification.

Joint Genome Diagnostic Labs from Nijmegen and Maastricht, Radboudumc and MUMC+
Classification: Benign. Review status: no assertion criteria provided. Collection method: clinical testing. Allele origin: germline. Affected: yes. Study: VKGL Data-share Consensus. Not counted in ClinVar's aggregate classification.